The following is an entry in ClinVar:

NM_006949.4(STXBP2):c.297C>G (p.Tyr99Ter)

Gene: STXBP2 (syntaxin binding protein 2; plus strand). Cytogenetic location: 19p13.2.
Variant type: single nucleotide variant.
Coding change: c.297C>G on transcript NM_006949.4 (MANE Select); coding-DNA position 297, C replaced by G.
Protein change: p.Tyr99Ter; replaces tyrosine 99 with a stop codon.
Molecular consequence: nonsense. On other transcripts: non-coding transcript variant (1).
Genome position (GRCh38, 1-based): chr19:7,640,781, C>G. VCF-style: chr19-7640781-C-G. GRCh37 (hg19) VCF-style: chr19-7705667-C-G.
Other names: c.288C>G, p.Tyr96Ter (NM_001127396.3); c.330C>G, p.Tyr110Ter (NM_001272034.2); c.201C>G, p.Tyr67Ter (NM_001414484.1); short protein forms Y67*, Y110*, Y96*, Y99*.
Identifiers: ClinVar variation 2746710 (VCV002746710.3), dbSNP rs2512691738, ClinGen allele CA403157490.

ClinVar aggregate classification (germline): Pathogenic (1 of 4 stars; one submission).

Conditions:
Familial hemophagocytic lymphohistiocytosis 5. Also called: STXBP2-Related Familial Hemophagocytic Lymphohistiocytosis (STXBP2-fHLH). Identifiers: Orphanet 540, MedGen C2751293, MONDO:0013135, OMIM 613101.

Submission:

Labcorp Genetics (formerly Invitae), Labcorp
Classification: Pathogenic for Familial hemophagocytic lymphohistiocytosis 5. Last evaluated: 2023-07-25. Review status: criteria provided, single submitter. Criteria: Invitae Variant Classification Sherloc (09022015). Collection method: clinical testing. Allele origin: germline.
Comment: This sequence change creates a premature translational stop signal (p.Tyr99*) in the STXBP2 gene. It is expected to result in an absent or disrupted protein product. Loss-of-function variants in STXBP2 are known to be pathogenic (PMID: 19804848, 22451424). For these reasons, this variant has been classified as Pathogenic. This variant has not been reported in the literature in individuals affected with STXBP2-related conditions. This variant is not present in population databases (gnomAD no frequency).

Literature cited by the submitters: PubMed 19804848; PubMed 22451424.